The following is an entry in ClinVar:

ClinVar aggregate classification (germline): Conflicting classifications of pathogenicity. Review status: criteria provided, conflicting classifications (1 of 4 stars). 8 submissions from 8 submitters: Uncertain significance (5); Likely benign (2). 1 of the submissions does not count toward it. Last evaluated 2025-03-04.

Conditions:
Ataxia-telangiectasia syndrome (AT). Also called: Cerebello-oculocutaneous telangiectasia; Immunodeficiency with ataxia telangiectasia; Ataxia-telangiectasia; LOUIS-BAR SYNDROME; Ataxia telangiectasia (A-T); Ataxia-telangiectasia, complementation group D. Identifiers: Orphanet 100, MedGen C0004135, MONDO:0008840, OMIM 208900.
Familial cancer of breast. Also called: hereditary breast carcinoma; Hereditary breast cancer; BREAST CANCER, FAMILIAL. Identifiers: Orphanet 227535, MedGen C0346153, MONDO:0016419, OMIM 114480. Disease mechanism: loss of function.
Hereditary cancer-predisposing syndrome. Also called: Tumor predisposition; Hereditary neoplastic syndrome; Neoplastic Syndromes, Hereditary; Hereditary Cancer Syndrome. Identifiers: Orphanet 140162, MedGen C0027672, MeSH D009386, MONDO:0015356.

Allele frequency attached by ClinVar (database versions not stated): ExAC 0.00001; gnomAD exomes 0.00001.
gnomAD v4.1: 3 of 1,614,146 alleles (0.00019%); highest among the groups gnomAD compares: Non-Finnish European, 0.00025%; no homozygotes.

Submissions (8):

Center for Genomic Medicine, Rigshospitalet, Copenhagen University Hospital
Classification: Uncertain significance. Last evaluated: 2025-03-04. Review status: criteria provided, single submitter. Criteria: ACMG Guidelines, 2015. Collection method: clinical testing. Allele origin: germline.
Comment: Classification criteria: PM2 supp, BP4_supp

Labcorp Genetics (formerly Invitae), Labcorp
Classification: Uncertain significance for Ataxia-telangiectasia syndrome. Last evaluated: 2024-08-28. Review status: criteria provided, single submitter. Criteria: Invitae Variant Classification Sherloc (09022015). Collection method: clinical testing. Allele origin: germline.
Comment: This sequence change replaces methionine, which is neutral and non-polar, with threonine, which is neutral and polar, at codon 855 of the ATM protein (p.Met855Thr). This variant is present in population databases (rs587779824, gnomAD 0.002%). This variant has not been reported in the literature in individuals affected with ATM-related conditions. ClinVar contains an entry for this variant (Variation ID: 127353). An algorithm developed to predict the effect of missense changes on protein structure and function outputs the following: PolyPhen-2: "Benign". The threonine amino acid residue is found in multiple mammalian species, which suggests that this missense change does not adversely affect protein function. In summary, the available evidence is currently insufficient to determine the role of this variant in disease. Therefore, it has been classified as a Variant of Uncertain Significance.

Ambry Genetics
Classification: Likely benign for Hereditary cancer-predisposing syndrome. Last evaluated: 2024-03-14. Review status: criteria provided, single submitter. Criteria: Ambry Variant Classification Scheme 2023. Collection method: clinical testing. Allele origin: germline.

Color Diagnostics, LLC DBA Color Health
Classification: Uncertain significance for Hereditary cancer-predisposing syndrome. Last evaluated: 2024-03-06. Review status: criteria provided, single submitter. Criteria: ACMG Guidelines, 2015. Collection method: clinical testing. Allele origin: germline.
Comment: This missense variant replaces methionine with threonine at codon 855 of the ATM protein. Computational prediction suggests that this variant may not impact protein structure and function (internally defined REVEL score threshold <= 0.5, PMID: 27666373). To our knowledge, functional studies have not been reported for this variant. This variant has not been reported in individuals affected with ATM-related disorders in the literature. This variant has been identified in 2/251430 chromosomes in the general population by the Genome Aggregation Database (gnomAD). The available evidence is insufficient to determine the role of this variant in disease conclusively. Therefore, this variant is classified as a Variant of Uncertain Significance.

MGZ Medical Genetics Center
Classification: Uncertain significance for Familial cancer of breast. Last evaluated: 2022-05-13. Review status: criteria provided, single submitter. Criteria: ACMG Guidelines, 2015. Collection method: clinical testing. Allele origin: germline. Affected: yes. Observed: 1 variant allele.
Comment: ACMG criteria applied: PM2_SUP, BP4

Blueprint Genetics
Classification: Likely benign. Last evaluated: 2022-01-05. Review status: criteria provided, single submitter. Criteria: ACMG Guidelines, 2015. Collection method: clinical testing. Allele origin: germline.

GeneDx
Classification: Uncertain significance. Last evaluated: 2019-08-27. Review status: criteria provided, single submitter. Criteria: GeneDx Variant Classification Process June 2021. Collection method: clinical testing. Allele origin: germline. Affected: yes.
Comment: Not observed at a significant frequency in large population cohorts (Lek 2016); In silico analysis, which includes protein predictors and evolutionary conservation, supports that this variant does not alter protein structure/function; Has not been previously published as pathogenic or benign to our knowledge

Natera, Inc.
Classification: Uncertain significance for Ataxia-telangiectasia. Last evaluated: 2020-09-22. Review status: no assertion criteria provided. Collection method: clinical testing. Allele origin: germline. Not counted in ClinVar's aggregate classification.

NM_000051.4(ATM):c.2564T>C (p.Met855Thr)

Gene: ATM (ATM serine/threonine kinase; plus strand). Cytogenetic location: 11q22.3.
Variant type: single nucleotide variant.
Coding change: c.2564T>C on transcript NM_000051.4 (MANE Select); coding-DNA position 2564, T replaced by C.
Protein change: p.Met855Thr; replaces methionine 855 with threonine.
Molecular consequence: missense variant.
Genome position (GRCh38, 1-based): chr11:108,267,268, T>C. VCF-style: chr11-108267268-T-C. GRCh37 (hg19) VCF-style: chr11-108137995-T-C.
Other names: p.M855T:ATG>ACG; c.2564T>C, p.Met855Thr (NM_001351834.2); short protein forms M855T.
Identifiers: ClinVar variation 127353 (VCV000127353.26), dbSNP rs587779824, ClinGen allele CA286763.
Genomic context (GRCh38, chr11:108,267,268, plus strand): 5'-TAGAATCAATGGAAGATGATACTAATGGAAATCTAATGGAGGTGGAGGATCAGTCATCCA[T>C]GAATCTATTTAACGATTACCCTGATAGTAGTGTTAGTGATGCAAACGAACCTGGAGAGAG-3'
Protein context (NP_000042.3, residues 845-865): NLMEVEDQSS[Met855Thr]NLFNDYPDSS